The following is an entry in ClinVar:

NM_012330.4(KAT6B):c.4382A>G (p.Asp1461Gly)

Gene: KAT6B (lysine acetyltransferase 6B; plus strand). Cytogenetic location: 10q22.2.
Variant type: single nucleotide variant.
Coding change: c.4382A>G on transcript NM_012330.4 (MANE Select); coding-DNA position 4382, A replaced by G.
Protein change: p.Asp1461Gly; replaces aspartic acid 1461 with glycine.
Molecular consequence: missense variant.
Genome position (GRCh38, 1-based): chr10:75,029,206, A>G. VCF-style: chr10-75029206-A-G. GRCh37 (hg19) VCF-style: chr10-76788964-A-G.
Other names: c.3833A>G, p.Asp1278Gly (NM_001256468.2, NM_001370138.1); c.3506A>G, p.Asp1169Gly (NM_001256469.2, NM_001370139.1, NM_001370140.1 and 2 more transcripts); c.3344A>G, p.Asp1115Gly (NM_001370132.1); c.2693A>G, p.Asp898Gly (NM_001370133.1); c.2297A>G, p.Asp766Gly (NM_001370134.1); c.2039A>G, p.Asp680Gly (NM_001370135.1); c.4382A>G, p.Asp1461Gly (NM_001370136.1, NM_001370137.1); c.3317A>G, p.Asp1106Gly (NM_001370143.1, NM_001370144.1); short protein forms D1106G, D1115G, D1169G, D1278G, D1461G, D680G, D766G, D898G.
Identifiers: ClinVar variation 4086432 (VCV004086432.1).

ClinVar aggregate classification (germline): Uncertain significance (1 of 4 stars; one submission).

Submission:

GeneDx
Classification: Uncertain significance. Last evaluated: 2025-03-21. Review status: criteria provided, single submitter. Criteria: GeneDx Variant Classification Process June 2021. Collection method: clinical testing. Allele origin: germline. Affected: yes.
Comment: Not observed at significant frequency in large population cohorts (gnomAD); In silico analysis supports that this missense variant has a deleterious effect on protein structure/function; Has not been previously published as pathogenic or benign to our knowledge